The following is an entry in ClinVar:

ClinVar aggregate classification (germline): Uncertain significance (1 of 4 stars; one submission).

Conditions:
Long chain 3-hydroxyacyl-CoA dehydrogenase deficiency. Also called: Deficiency of long-chain 3-hydroxyacyl-coenzyme A dehydrogenase; LCHAD Deficiency. Identifiers: Orphanet 5, MedGen C3711645, MONDO:0012173, OMIM 609016.
Mitochondrial trifunctional protein deficiency. Identifiers: Orphanet 746, MedGen C1969443, MONDO:0012172.

Submission:

Labcorp Genetics (formerly Invitae), Labcorp
Classification: Uncertain significance for Mitochondrial trifunctional protein deficiency; Long chain 3-hydroxyacyl-CoA dehydrogenase deficiency. Last evaluated: 2024-01-29. Review status: criteria provided, single submitter. Criteria: Invitae Variant Classification Sherloc (09022015). Collection method: clinical testing. Allele origin: germline.
Comment: This sequence change replaces valine, which is neutral and non-polar, with glycine, which is neutral and non-polar, at codon 45 of the HADHA protein (p.Val45Gly). This variant is not present in population databases (gnomAD no frequency). This variant has not been reported in the literature in individuals affected with HADHA-related conditions. Advanced modeling of protein sequence and biophysical properties (such as structural, functional, and spatial information, amino acid conservation, physicochemical variation, residue mobility, and thermodynamic stability) performed at Invitae indicates that this missense variant is not expected to disrupt HADHA protein function with a negative predictive value of 80%. In summary, the available evidence is currently insufficient to determine the role of this variant in disease. Therefore, it has been classified as a Variant of Uncertain Significance.

NM_000182.5(HADHA):c.134T>G (p.Val45Gly)

Gene: HADHA (hydroxyacyl-CoA dehydrogenase trifunctional multienzyme complex subunit alpha; minus strand). Cytogenetic location: 2p23.3.
Variant type: single nucleotide variant.
Coding change: c.134T>G on transcript NM_000182.5 (MANE Select); coding-DNA position 134, T replaced by G.
Protein change: p.Val45Gly; replaces valine 45 with glycine.
Molecular consequence: missense variant.
Genome position (GRCh38, 1-based): chr2:26,238,980, A>C on the plus strand (T>G on the coding strand, the complement: HADHA is on the minus strand). VCF-style: chr2-26238980-A-C. GRCh37 (hg19) VCF-style: chr2-26461848-A-C.
Other names: short protein forms V45G.
Identifiers: ClinVar variation 2940002 (VCV002940002.3), dbSNP rs2465609055, ClinGen allele CA346095436.